The following is an entry in ClinVar:

ClinVar aggregate classification (germline): Uncertain significance (1 of 4 stars; one submission).

gnomAD v4.1: 51 of 1,613,916 alleles (0.0032%); highest among the groups gnomAD compares: African/African-American, 0.0067%; no homozygotes.

Submission:

GeneDx
Classification: Uncertain significance. Last evaluated: 2026-07-24. Review status: criteria provided, single submitter. Criteria: GeneDx Variant Classification Process June 2021. Collection method: clinical testing. Allele origin: germline.
Comment: In silico analysis suggests that this missense variant does not alter protein structure/function; Has not been previously published as pathogenic or benign to our knowledge

NM_001394062.1(MACF1):c.4126A>G (p.Ile1376Val)

Gene: MACF1 (microtubule actin crosslinking factor 1; plus strand). Cytogenetic location: 1p34.3.
Variant type: single nucleotide variant.
Coding change: c.4126A>G on transcript NM_001394062.1 (MANE Select); coding-DNA position 4126, A replaced by G.
Protein change: p.Ile1376Val; replaces isoleucine 1376 with valine.
Molecular consequence: missense variant.
Genome position (GRCh38, 1-based): chr1:39,322,704, A>G. VCF-style: chr1-39322704-A-G. GRCh37 (hg19) VCF-style: chr1-39788376-A-G.
Other names: c.4141A>G, p.Ile1381Val (NM_012090.5); short protein forms I1376V, I1381V.
Identifiers: ClinVar variation 4536317 (VCV004536317.2).
Genomic context (GRCh38, chr1:39,322,704, plus strand): 5'-GTGGAATCGCAGCAGAAATCCCCTGGCAAGCGCCGTCGCATGCTTTCCTCTTCAGATGCC[A>G]TCACTCAAGAGGTGAGAGGGTGGGGGAAGGAAATACACCACTGTCTTCCCTTAAGGAAAG-3'
Protein context (NP_001380991.1, residues 1366-1386): RRRMLSSSDA[Ile1376Val]TQEFMDLRTR